The following is an entry in ClinVar:

NM_000804.4(FOLR3):c.322G>C (p.Glu108Gln)

Gene: FOLR3 (folate receptor gamma; plus strand). Cytogenetic location: 11q13.4.
Variant type: single nucleotide variant.
Coding change: c.322G>C on transcript NM_000804.4 (MANE Select); coding-DNA position 322, G replaced by C.
Protein change: p.Glu108Gln; replaces glutamic acid 108 with glutamine.
Molecular consequence: missense variant. On other transcripts: non-coding transcript variant (1).
Genome position (GRCh38, 1-based): chr11:72,139,114, G>C. VCF-style: chr11-72139114-G-C. GRCh37 (hg19) VCF-style: chr11-71850158-G-C.
Other names: c.49G>C, p.Glu17Gln (NM_001318045.2); c.448G>C, p.Glu150Gln (NM_001412270.1); short protein forms E108Q, E150Q, E17Q.
Identifiers: ClinVar variation 3045094 (VCV003045094.1), dbSNP rs779066064, ClinGen allele CA224397531.

ClinVar aggregate classification (germline): Benign (1 of 4 stars; one submission).

Conditions:
FOLR3-related disorder. Also called: FOLR3-related condition.

Allele frequency attached by ClinVar (database versions not stated): gnomAD exomes below 0.00001.

Submission:

PreventionGenetics, part of Exact Sciences
Classification: Benign for FOLR3-related condition. Last evaluated: 2019-04-16. Review status: criteria provided, single submitter. Criteria: ACMG Guidelines, 2015. Collection method: clinical testing. Allele origin: germline.
Comment: This variant is classified as benign based on ACMG/AMP sequence variant interpretation guidelines (Richards et al. 2015 PMID: 25741868, with internal and published modifications).